The following is an entry in ClinVar:

NM_014159.7(SETD2):c.3932G>A (p.Gly1311Asp)

Gene: SETD2 (SET domain containing 2, histone lysine methyltransferase; minus strand). Cytogenetic location: 3p21.31.
Variant type: single nucleotide variant.
Coding change: c.3932G>A on transcript NM_014159.7 (MANE Select); coding-DNA position 3932, G replaced by A.
Protein change: p.Gly1311Asp; replaces glycine 1311 with aspartic acid.
Molecular consequence: missense variant. On other transcripts: non-coding transcript variant (1).
Genome position (GRCh38, 1-based): chr3:47,120,704, C>T on the plus strand (G>A on the coding strand, the complement: SETD2 is on the minus strand). VCF-style: chr3-47120704-C-T. GRCh37 (hg19) VCF-style: chr3-47162194-C-T.
Other names: c.3800G>A, p.Gly1267Asp (NM_001349370.3); short protein forms G1267D, G1311D.
Identifiers: ClinVar variation 2501531 (VCV002501531.1), dbSNP rs2107744979, ClinGen allele CA352519586.

ClinVar aggregate classification (germline): Uncertain significance (1 of 4 stars; one submission).

Submission:

GeneDx
Classification: Uncertain significance. Last evaluated: 2022-11-07. Review status: criteria provided, single submitter. Criteria: GeneDx Variant Classification Process June 2021. Collection method: clinical testing. Allele origin: germline. Affected: yes.
Comment: Not observed at significant frequency in large population cohorts (gnomAD); In silico analysis supports that this missense variant has a deleterious effect on protein structure/function; Has not been previously published as pathogenic or benign to our knowledge